The following is an entry in ClinVar:

NM_006206.6(PDGFRA):c.3101T>C (p.Leu1034Pro)

Gene: PDGFRA (platelet derived growth factor receptor alpha; plus strand). Cytogenetic location: 4q12.
Variant type: single nucleotide variant.
Coding change: c.3101T>C on transcript NM_006206.6 (MANE Select); coding-DNA position 3101, T replaced by C.
Protein change: p.Leu1034Pro; replaces leucine 1034 with proline.
Molecular consequence: missense variant.
Genome position (GRCh38, 1-based): chr4:54,290,533, T>C. VCF-style: chr4-54290533-T-C. GRCh37 (hg19) VCF-style: chr4-55156700-T-C.
Other names: c.3176T>C, p.Leu1059Pro (NM_001347828.2); c.3101T>C, p.Leu1034Pro (NM_001347829.2); c.3140T>C, p.Leu1047Pro (NM_001347830.2); short protein forms L1034P, L1047P, L1059P.
Identifiers: ClinVar variation 570593 (VCV000570593.15), dbSNP rs1444268252, ClinGen allele CA356896381.
Genomic context (GRCh38, chr4:54,290,533, plus strand): 5'-CTGACAGTGGCTACATCATTCCTCTGCCTGACATTGACCCTGTCCCTGAGGAGGAGGACC[T>C]GGGCAAGAGGAACAGACACAGGTAGCTGTGGGGGCAGCCTCGGTGTCTCACCTTTCCCCT-3'
Protein context (NP_006197.1, residues 1024-1044): DIDPVPEEED[Leu1034Pro]GKRNRHSSQT

ClinVar aggregate classification (germline): Uncertain significance. Review status: criteria provided, multiple submitters, no conflicts (2 of 4 stars). 3 submissions from 3 submitters: Uncertain significance (3). Last evaluated 2024-10-13.

Conditions:
Polyps, multiple and recurrent inflammatory fibroid, gastrointestinal. Identifiers: MedGen C5193005, MONDO:0008285, OMIM 175510.
Gastrointestinal stromal tumor. Also called: Gastrointestinal stromal tumor, somatic; Gastrointestinal stroma tumor. Identifiers: Orphanet 44890, MedGen C0238198, MeSH D046152, MONDO:0011719, OMIM 606764, HP:0100723.
Hereditary cancer-predisposing syndrome. Also called: Hereditary neoplastic syndrome; Neoplastic Syndromes, Hereditary; Hereditary Cancer Syndrome; Tumor predisposition. Identifiers: Orphanet 140162, MedGen C0027672, MeSH D009386, MONDO:0015356.

Allele frequency attached by ClinVar (database versions not stated): gnomAD exomes below 0.00001 and 0.00001; TOPMed below 0.00001.
gnomAD v4.1: 11 of 1,614,166 alleles (0.00068%); highest among the groups gnomAD compares: Non-Finnish European, 0.00093%; no homozygotes.

Submissions (3):

Labcorp Genetics (formerly Invitae), Labcorp
Classification: Uncertain significance for Gastrointestinal stromal tumor. Last evaluated: 2024-10-13. Review status: criteria provided, single submitter. Criteria: Invitae Variant Classification Sherloc (09022015). Collection method: clinical testing. Allele origin: germline.
Comment: This sequence change replaces leucine, which is neutral and non-polar, with proline, which is neutral and non-polar, at codon 1034 of the PDGFRA protein (p.Leu1034Pro). This variant is present in population databases (no rsID available, gnomAD 0.0009%). This variant has not been reported in the literature in individuals affected with PDGFRA-related conditions. ClinVar contains an entry for this variant (Variation ID: 570593). Invitae Evidence Modeling of protein sequence and biophysical properties (such as structural, functional, and spatial information, amino acid conservation, physicochemical variation, residue mobility, and thermodynamic stability) indicates that this missense variant is not expected to disrupt PDGFRA protein function with a negative predictive value of 80%. In summary, the available evidence is currently insufficient to determine the role of this variant in disease. Therefore, it has been classified as a Variant of Uncertain Significance.

Ambry Genetics
Classification: Uncertain significance for Hereditary cancer-predisposing syndrome. Last evaluated: 2024-07-15. Review status: criteria provided, single submitter. Criteria: Ambry Variant Classification Scheme 2023. Collection method: clinical testing. Allele origin: germline.
Comment: The p.L1034P variant (also known as c.3101T>C), located in coding exon 21 of the PDGFRA gene, results from a T to C substitution at nucleotide position 3101. The leucine at codon 1034 is replaced by proline, an amino acid with similar properties. This amino acid position is conserved. In addition, this alteration is predicted to be tolerated by in silico analysis. Since supporting evidence is limited at this time, the clinical significance of this alteration remains unclear.

Baylor Genetics
Classification: Uncertain significance for Polyps, multiple and recurrent inflammatory fibroid, gastrointestinal. Last evaluated: 2023-05-02. Review status: criteria provided, single submitter. Criteria: ACMG Guidelines, 2015. Collection method: clinical testing. Allele origin: unknown.